The following is an entry in ClinVar:

NM_000130.5(F5):c.1868C>A (p.Thr623Asn)

Gene: F5 (coagulation factor V; minus strand). Cytogenetic location: 1q24.2.
Variant type: single nucleotide variant.
Coding change: c.1868C>A on transcript NM_000130.5 (MANE Select); coding-DNA position 1868, C replaced by A.
Protein change: p.Thr623Asn; replaces threonine 623 with asparagine.
Molecular consequence: missense variant.
Genome position (GRCh38, 1-based): chr1:169,544,403, G>T on the plus strand (C>A on the coding strand, the complement: F5 is on the minus strand). VCF-style: chr1-169544403-G-T. GRCh37 (hg19) VCF-style: chr1-169513641-G-T.
Other names: short protein forms T623N.
Identifiers: ClinVar variation 4747586 (VCV004747586.1).

ClinVar aggregate classification (germline): Uncertain significance (1 of 4 stars; one submission).

Conditions:
Congenital factor V deficiency. Also called: Hereditary factor V deficiency disease; LABILE FACTOR DEFICIENCY; OWREN PARAHEMOPHILIA; PARAHEMOPHILIA. Identifiers: Orphanet 326, MedGen C0015499, MONDO:0009210, OMIM 227400.

gnomAD v4.1: 7 of 1,614,124 alleles (0.00043%); highest among the groups gnomAD compares: South Asian, 0.0011%; no homozygotes.

Submission:

Labcorp Genetics (formerly Invitae), Labcorp
Classification: Uncertain significance for Congenital factor V deficiency. Last evaluated: 2025-04-27. Review status: criteria provided, single submitter. Criteria: Invitae Variant Classification Sherloc (09022015). Collection method: clinical testing. Allele origin: germline.
Comment: This sequence change replaces threonine, which is neutral and polar, with asparagine, which is neutral and polar, at codon 623 of the F5 protein (p.Thr623Asn). This variant is present in population databases (rs375755399, gnomAD 0.003%). This variant has not been reported in the literature in individuals affected with F5-related conditions. Invitae Evidence Modeling of protein sequence and biophysical properties (such as structural, functional, and spatial information, amino acid conservation, physicochemical variation, residue mobility, and thermodynamic stability) indicates that this missense variant is expected to disrupt F5 protein function with a positive predictive value of 80%. In summary, the available evidence is currently insufficient to determine the role of this variant in disease. Therefore, it has been classified as a Variant of Uncertain Significance.